The following is an entry in ClinVar:

ClinVar aggregate classification (germline): Uncertain significance. Review status: criteria provided, multiple submitters, no conflicts (2 of 4 stars). 3 submissions from 3 submitters: Uncertain significance (3). Last evaluated 2025-04-10.

Conditions:
Inborn genetic diseases. Identifiers: MedGen C0950123, MeSH D030342.

Allele frequency attached by ClinVar (database versions not stated): gnomAD exomes below 0.00001; ExAC 0.00001; ESP Exome Variant Server 0.00008.
gnomAD v4.1: 2 of 1,605,086 alleles (0.00012%); highest among the groups gnomAD compares: Non-Finnish European, 0.00017%; no homozygotes.

Submissions (3):

Ambry Genetics
Classification: Uncertain significance for Inborn genetic diseases. Last evaluated: 2025-04-10. Review status: criteria provided, single submitter. Criteria: Ambry Variant Classification Scheme 2023. Collection method: clinical testing. Allele origin: germline.

Mayo Clinic Laboratories, Mayo Clinic
Classification: Uncertain significance. Last evaluated: 2022-12-22. Review status: criteria provided, single submitter. Criteria: ACMG Guidelines, 2015. Collection method: clinical testing. Allele origin: germline. Observed: 1 variant allele.
Comment: BP4, PM2

Labcorp Genetics (formerly Invitae), Labcorp
Classification: Uncertain significance. Last evaluated: 2022-10-04. Review status: criteria provided, single submitter. Criteria: Invitae Variant Classification Sherloc (09022015). Collection method: clinical testing. Allele origin: germline.
Comment: In summary, the available evidence is currently insufficient to determine the role of this variant in disease. Therefore, it has been classified as a Variant of Uncertain Significance. Advanced modeling of protein sequence and biophysical properties (such as structural, functional, and spatial information, amino acid conservation, physicochemical variation, residue mobility, and thermodynamic stability) performed at Invitae indicates that this missense variant is not expected to disrupt PDSS2 protein function. This variant has not been reported in the literature in individuals affected with PDSS2-related conditions. This variant is present in population databases (rs148925842, gnomAD 0.0009%). This sequence change replaces asparagine, which is neutral and polar, with threonine, which is neutral and polar, at codon 314 of the PDSS2 protein (p.Asn314Thr).

NM_020381.4(PDSS2):c.941A>C (p.Asn314Thr)

Gene: PDSS2 (decaprenyl diphosphate synthase subunit 2; minus strand). Cytogenetic location: 6q21.
Variant type: single nucleotide variant.
Coding change: c.941A>C on transcript NM_020381.4 (MANE Select); coding-DNA position 941, A replaced by C.
Protein change: p.Asn314Thr; replaces asparagine 314 with threonine.
Molecular consequence: missense variant.
Genome position (GRCh38, 1-based): chr6:107,210,506, T>G on the plus strand (A>C on the coding strand, the complement: PDSS2 is on the minus strand). VCF-style: chr6-107210506-T-G. GRCh37 (hg19) VCF-style: chr6-107531710-T-G.
Other names: p.Asn314Thr; c.941A>C (NM_020381.3); short protein forms N314T.
Identifiers: ClinVar variation 1981060 (VCV001981060.6), dbSNP rs148925842, ClinGen allele CA3945974.